The following is an entry in ClinVar:

ClinVar aggregate classification (germline): Uncertain significance (1 of 4 stars; one submission).

Conditions:
Epilepsy, idiopathic generalized, susceptibility to, 13. Also called: EPILEPSY, JUVENILE MYOCLONIC, SUSCEPTIBILITY TO, 5. Identifiers: Orphanet 307, Orphanet 64280, MedGen C4013473, MONDO:0012627, OMIM 611136.
Epilepsy, childhood absence 4 (ECA4). Also called: EPILEPSY, CHILDHOOD ABSENCE, SUSCEPTIBILITY TO, 4. Identifiers: Orphanet 307, MedGen C1970160.
Idiopathic generalized epilepsy. Also called: Generalised epilepsy; EIG. Identifiers: MedGen C0270850, MONDO:0005579, OMIM 600669.

Submission:

Labcorp Genetics (formerly Invitae), Labcorp
Classification: Uncertain significance for Epilepsy, childhood absence 4; Epilepsy, idiopathic generalized, susceptibility to, 13; Idiopathic generalized epilepsy. Last evaluated: 2025-08-07. Review status: criteria provided, single submitter. Criteria: Invitae Variant Classification Sherloc (09022015). Collection method: clinical testing. Allele origin: germline.
Comment: This sequence change replaces leucine, which is neutral and non-polar, with proline, which is neutral and non-polar, at codon 304 of the GABRA1 protein (p.Leu304Pro). This variant is not present in population databases (gnomAD no frequency). This variant has not been reported in the literature in individuals affected with GABRA1-related conditions. Invitae Evidence Modeling of protein sequence and biophysical properties (such as structural, functional, and spatial information, amino acid conservation, physicochemical variation, residue mobility, and thermodynamic stability) indicates that this missense variant is expected to disrupt GABRA1 protein function with a positive predictive value of 95%. In summary, the available evidence is currently insufficient to determine the role of this variant in disease. Therefore, it has been classified as a Variant of Uncertain Significance.

NM_001127644.2(GABRA1):c.911T>C (p.Leu304Pro)

Gene: GABRA1 (gamma-aminobutyric acid type A receptor subunit alpha1; plus strand). Cytogenetic location: 5q34.
Variant type: single nucleotide variant.
Coding change: c.911T>C on transcript NM_001127644.2 (MANE Select); coding-DNA position 911, T replaced by C.
Protein change: p.Leu304Pro; replaces leucine 304 with proline.
Molecular consequence: missense variant.
Genome position (GRCh38, 1-based): chr5:161,895,720, T>C. VCF-style: chr5-161895720-T-C. GRCh37 (hg19) VCF-style: chr5-161322726-T-C.
Other names: c.911T>C, p.Leu304Pro (NM_000806.5, NM_001127643.2, NM_001127645.2 and 1 more transcripts); short protein forms L304P.
Identifiers: ClinVar variation 4789489 (VCV004789489.1).
Genomic context (GRCh38, chr5:161,895,720, plus strand): 5'-TTACAGGAGTAACAACTGTGCTCACCATGACAACATTGAGCATCAGTGCCAGAAACTCCC[T>C]CCCTAAGGTGGCTTATGCAACAGCTATGGATTGGTTTATTGCCGTGTGCTATGCCTTTGT-3'
Protein context (NP_001121116.1, residues 294-314): TTLSISARNS[Leu304Pro]PKVAYATAMD